The following is an entry in ClinVar:

ClinVar aggregate classification (germline): Benign/Likely benign. Review status: criteria provided, multiple submitters, no conflicts (2 of 4 stars). 5 submissions from 5 submitters: Benign (4); Likely benign (1). Last evaluated 2026-02-04.

Allele frequency attached by ClinVar (database versions not stated): gnomAD exomes 0.11766 and 0.16497; ESP Exome Variant Server 0.13535; gnomAD 0.15589 and 0.16058; ExAC 0.16784; TOPMed 0.17542; 1000 Genomes Project 30x 0.22392; 1000 Genomes Project 0.22444.
gnomAD v4.1: 196,659 of 1,609,534 alleles (12%); highest among the groups gnomAD compares: East Asian, 41%; 16,111 homozygotes.

Submissions (5):

Labcorp Genetics (formerly Invitae), Labcorp
Classification: Benign. Last evaluated: 2026-02-04. Review status: criteria provided, single submitter. Criteria: Invitae Variant Classification Sherloc (09022015). Collection method: clinical testing. Allele origin: germline.

Blueprint Genetics
Classification: Likely benign. Last evaluated: 2024-11-27. Review status: criteria provided, single submitter. Criteria: ACMG Guidelines, 2015. Collection method: clinical testing. Allele origin: germline.

GeneDx
Classification: Benign. Last evaluated: 2018-07-09. Review status: criteria provided, single submitter. Criteria: GeneDx Variant Classification Process June 2021. Collection method: clinical testing. Allele origin: germline. Affected: yes.

Laboratory for Molecular Medicine, Mass General Brigham Personalized Medicine
Classification: Benign. Last evaluated: 2016-03-29. Review status: criteria provided, single submitter. Criteria: LMM Criteria. Collection method: clinical testing. Allele origin: germline.
Comment: Variant identified in a genome or exome case(s) and assessed due to predicted null impact of the variant or pathogenic assertions in the literature or databases. Disclaimer: This variant has not undergone full assessment. The following are preliminary notes: Frequency

Breakthrough Genomics
Classification: Benign. Review status: criteria provided, single submitter. Criteria: ACMG Guidelines, 2015. Collection method: not provided. Allele origin: germline. Inheritance: Autosomal recessive inheritance. Affected: yes.

NM_001098671.2(RASGRP2):c.1173+12C>T

Gene: RASGRP2 (RAS guanyl releasing protein 2; minus strand). Cytogenetic location: 11q13.1.
Variant type: single nucleotide variant.
Coding change: c.1173+12C>T on transcript NM_001098671.2 (MANE Select); 12 bases into the intron after coding-DNA position 1173, C replaced by T.
Molecular consequence: intron variant.
Genome position (GRCh38, 1-based): chr11:64,735,891, G>A on the plus strand (C>T on the coding strand, the complement: RASGRP2 is on the minus strand). VCF-style: chr11-64735891-G-A. GRCh37 (hg19) VCF-style: chr11-64503363-G-A.
Other names: c.1173+12C>T (NM_153819.2, NM_001440690.1, NM_001440698.1 and 9 more transcripts); c.1170+12C>T (NM_001440702.1, NM_001440701.1, NM_001440700.1); c.1257+12C>T (NM_001440705.1); c.1260+12C>T (NM_001440703.1, NM_001440704.1); c.738+12C>T (NM_001318398.2).
Identifiers: ClinVar variation 403364 (VCV000403364.13), dbSNP rs10897524, ClinGen allele CA6078999.